The following is an entry in ClinVar:

ClinVar aggregate classification (germline): Pathogenic. Review status: criteria provided, multiple submitters, no conflicts (2 of 4 stars). 2 submissions from 2 submitters: Pathogenic (2). Last evaluated 2024-03-24.

Conditions:
Autosomal recessive limb-girdle muscular dystrophy type 2F (LGMDR6). Also called: Muscular dystrophy limb-girdle with delta-sarcoglyan deficiency; MUSCULAR DYSTROPHY, LIMB-GIRDLE, AUTOSOMAL RECESSIVE 6. Identifiers: Orphanet 219, MedGen C1832525, MONDO:0011028, OMIM 601287. Disease mechanism: Affects gamma-sarcoglycan and also disrupts the integrity of the entire sarcoglycan complex..
Dilated cardiomyopathy 1L (CMD1L). Identifiers: Orphanet 154, MedGen C1847667, MONDO:0011702, OMIM 606685.

Submissions (2):

Baylor Genetics
Classification: Pathogenic for Dilated cardiomyopathy 1L. Last evaluated: 2024-03-24. Review status: criteria provided, single submitter. Criteria: ACMG Guidelines, 2015. Collection method: clinical testing. Allele origin: unknown.

Labcorp Genetics (formerly Invitae), Labcorp
Classification: Pathogenic for Autosomal recessive limb-girdle muscular dystrophy type 2F. Last evaluated: 2023-05-14. Review status: criteria provided, single submitter. Criteria: Invitae Variant Classification Sherloc (09022015). Collection method: clinical testing. Allele origin: germline.
Comment: For these reasons, this variant has been classified as Pathogenic. This premature translational stop signal has been observed in individual(s) with SGCD-related sarcoglycanopathy (PMID: 28687063). This variant is not present in population databases (gnomAD no frequency). This sequence change creates a premature translational stop signal (p.Ser83*) in the SGCD gene. It is expected to result in an absent or disrupted protein product. Loss-of-function variants in SGCD are known to be pathogenic (PMID: 8841194, 10735275, 10838250).

Literature cited by the submitters: PubMed 28687063 (cited by Labcorp Genetics (formerly Invitae), Labcorp); PubMed 8841194 (cited by Labcorp Genetics (formerly Invitae), Labcorp); PubMed 10735275 (cited by Labcorp Genetics (formerly Invitae), Labcorp); PubMed 10838250 (cited by Labcorp Genetics (formerly Invitae), Labcorp).

NM_000337.6(SGCD):c.248_249del (p.Asp82_Ser83insTer)

Gene: SGCD (sarcoglycan delta; plus strand). Cytogenetic location: 5q33.3.
Variant type: Microsatellite.
Coding change: c.248_249del on transcript NM_000337.6 (MANE Select); coding-DNA positions 248 to 249, 2 bases deleted (CT; older notation c.248_249delCT).
Protein change: p.Asp82_Ser83insTer.
Molecular consequence: nonsense.
Genome position (GRCh38, 1-based): chr5:156,508,656-156,508,657, CT deleted; deleting any 2 consecutive bases within chr5:156,508,654-156,508,657 gives the same sequence; the c. name uses the placement nearest the transcript's 3' end. VCF-style (leftmost placement, unchanged base first): chr5-156508653-ACT-A. GRCh37 (hg19) VCF-style: chr5-155935663-ACT-A.
Other names: c.245_246del, p.Asp81_Ser82insTer (NM_001128209.2); c.248_249del, p.Asp82_Ser83insTer (NM_172244.3).
Identifiers: ClinVar variation 2713565 (VCV002713565.4), dbSNP rs1561743757, ClinGen allele CA917616483.
Genomic context (GRCh38, chr5:156,508,653, plus strand): 5'-TATTTCAGGATGGAATGGGAAACCTGAGGATCACAGAAAAAGGTCTAAAGCTAGAAGGAG[ACT>A]CTGAATTCTTACAACCTCTCTACGCCAAAGAAATCCAGTCCCGACCAGTAAGTTTCTGCT-3'